The following is an entry in ClinVar:

NM_014423.4(AFF4):c.371C>A (p.Ser124Tyr)

Gene: AFF4 (ALF transcription elongation factor 4; minus strand). Cytogenetic location: 5q31.1.
Variant type: single nucleotide variant.
Coding change: c.371C>A on transcript NM_014423.4 (MANE Select); coding-DNA position 371, C replaced by A.
Protein change: p.Ser124Tyr; replaces serine 124 with tyrosine.
Molecular consequence: missense variant.
Genome position (GRCh38, 1-based): chr5:132,934,694, G>T on the plus strand (C>A on the coding strand, the complement: AFF4 is on the minus strand). VCF-style: chr5-132934694-G-T. GRCh37 (hg19) VCF-style: chr5-132270386-G-T.
Other names: short protein forms S124Y.
Identifiers: ClinVar variation 2115366 (VCV002115366.4), dbSNP rs1347033436, ClinGen allele CA360961717.

ClinVar aggregate classification (germline): Uncertain significance (1 of 4 stars; one submission).

Conditions:
Cognitive impairment - coarse facies - heart defects - obesity - pulmonary involvement - short stature - skeletal dysplasia syndrome. Also called: COGNITIVE IMPAIRMENT, COARSE FACIES, HEART DEFECTS, OBESITY, PULMONARY INVOLVEMENT, SHORT STATURE, AND SKELETAL DYSPLASIA; Chops syndrome; AFF4-Related CHOPS Syndrome. Identifiers: Orphanet 444077, MedGen C4085597, MONDO:0014609, OMIM 616368.

gnomAD v4.1: 1 of 1,614,124 alleles (0.000062%); highest among the groups gnomAD compares: Non-Finnish European, 0.000085%; no homozygotes.

Submission:

Labcorp Genetics (formerly Invitae), Labcorp
Classification: Uncertain significance for Cognitive impairment - coarse facies - heart defects - obesity - pulmonary involvement - short stature - skeletal dysplasia syndrome. Last evaluated: 2023-05-22. Review status: criteria provided, single submitter. Criteria: Invitae Variant Classification Sherloc (09022015). Collection method: clinical testing. Allele origin: germline.
Comment: This sequence change replaces serine, which is neutral and polar, with tyrosine, which is neutral and polar, at codon 124 of the AFF4 protein (p.Ser124Tyr). In summary, the available evidence is currently insufficient to determine the role of this variant in disease. Therefore, it has been classified as a Variant of Uncertain Significance. Advanced modeling of protein sequence and biophysical properties (such as structural, functional, and spatial information, amino acid conservation, physicochemical variation, residue mobility, and thermodynamic stability) performed at Invitae indicates that this missense variant is expected to disrupt AFF4 protein function. ClinVar contains an entry for this variant (Variation ID: 2115366). This variant has not been reported in the literature in individuals affected with AFF4-related conditions. This variant is not present in population databases (gnomAD no frequency).